The following is an entry in ClinVar:

ClinVar aggregate classification (germline): Likely benign (0 of 4 stars; one submission).

Conditions:
GNAS-related disorder. Identifiers: MedGen CN380105.

Submission:

PreventionGenetics, part of Exact Sciences
Classification: Likely benign for GNAS-related condition. Last evaluated: 2021-10-20. Review status: no assertion criteria provided. Collection method: clinical testing. Allele origin: germline.
Comment: This variant is classified as likely benign based on ACMG/AMP sequence variant interpretation guidelines (Richards et al. 2015 PMID: 25741868, with internal and published modifications).

NM_000516.7(GNAS):c.139+9_139+11del

Gene: GNAS (GNAS complex locus; plus strand). Cytogenetic location: 20q13.32.
Variant type: Deletion.
Coding change: c.139+9_139+11del on transcript NM_000516.7 (MANE Select); bases 9 to 11 of the intron after coding-DNA position 139, 3 bases deleted (GGG; older notation c.139+9_139+11delGGG).
Molecular consequence: intron variant.
Genome position (GRCh38, 1-based): chr20:58,891,874-58,891,876, GGG deleted. VCF-style (leftmost placement, unchanged base first): chr20-58891873-CGGG-C. GRCh37 (hg19) VCF-style: chr20-57466928-CGGG-C.
Other names: c.*43-3738_*43-3736del (NM_016592.5); c.44-3738_44-3736del (NM_001410912.1); c.-38-3738_-38-3736del (NM_001309861.2); c.*1-3738_*1-3736del (NM_001077490.3); c.2069-3738_2069-3736del (NM_080425.4, NM_001410913.1); c.*159-3738_*159-3736del (NM_001309883.1); c.-39+2521_-39+2523del (NM_001309840.2); c.139+9_139+11del (NM_001077488.5, NM_080426.4, NM_001077489.4 and 1 more transcripts).
Identifiers: ClinVar variation 3033931 (VCV003033931.2), dbSNP rs2516802299, ClinGen allele CA2740094603.